The following is an entry in ClinVar:

ClinVar aggregate classification (germline): Uncertain significance. Review status: criteria provided, multiple submitters, no conflicts (2 of 4 stars). 2 submissions from 2 submitters: Uncertain significance (2). Last evaluated 2026-04-17.

Conditions:
Familial hypercholesterolemia. Also called: Familial hypercholesterolemias; Familial hypercholesterolaemia. Identifiers: MedGen C0020445, MONDO:0005439.

Submissions (2):

Cambridge Genomics Laboratory, East Genomic Laboratory Hub, NHS Genomic Medicine Service
Classification: Uncertain significance for Familial hypercholesterolaemia. Last evaluated: 2026-04-17. Review status: criteria provided, single submitter. Criteria: ACGS Best Practice Guidelines for Variant Classification in Rare Disease 2020. Collection method: clinical testing. Allele origin: germline. Affected: yes.
Comment: PM2_Supporting,PP4

Blueprint Genetics
Classification: Uncertain significance. Last evaluated: 2024-03-01. Review status: criteria provided, single submitter. Criteria: ACMG Guidelines, 2015. Collection method: clinical testing. Allele origin: germline.

NM_000384.3(APOB):c.6601ATT[1] (p.Ile2202del)

Gene: APOB (apolipoprotein B; minus strand). Cytogenetic location: 2p24.1.
Variant type: Microsatellite.
Coding change: c.6601ATT[1] on transcript NM_000384.3 (MANE Select); one copy of the 3-base unit ATT starting at c.6601; the reference has two copies in a row; one copy, 3 bases deleted.
Protein change: p.Ile2202del; deletes isoleucine 2202.
Molecular consequence: inframe deletion.
Genome position (GRCh38, 1-based): chr2:21,010,262-21,010,264, AAT deleted on the plus strand (ATT on the coding strand, the reverse complement: APOB is on the minus strand); deleting any 3 consecutive bases within chr2:21,010,262-21,010,268 gives the same sequence; the position shown is the placement nearest the transcript's 3' end. VCF-style (leftmost placement, unchanged base first): chr2-21010261-CAAT-C. GRCh37 (hg19) VCF-style: chr2-21233133-CAAT-C.
Other names: short protein forms I2202del.
Identifiers: ClinVar variation 4850677 (VCV004850677.2).